The following is an entry in ClinVar:

NM_001903.5(CTNNA1):c.1426C>G (p.Gln476Glu)

Gene: CTNNA1 (catenin alpha 1; plus strand). Cytogenetic location: 5q31.2.
Variant type: single nucleotide variant.
Coding change: c.1426C>G on transcript NM_001903.5 (MANE Select); coding-DNA position 1426, C replaced by G.
Protein change: p.Gln476Glu; replaces glutamine 476 with glutamic acid.
Molecular consequence: missense variant. On other transcripts: 5 prime UTR variant (5).
Genome position (GRCh38, 1-based): chr5:138,917,778, C>G. VCF-style: chr5-138917778-C-G. GRCh37 (hg19) VCF-style: chr5-138253467-C-G.
Other names: c.1426C>G, p.Gln476Glu (NM_001290307.3, NM_001323982.2, NM_001323983.1 and 2 more transcripts); c.1117C>G, p.Gln373Glu (NM_001290309.3); c.1057C>G, p.Gln353Glu (NM_001290310.3); c.316C>G, p.Gln106Glu (NM_001290312.1, NM_001323987.1, NM_001323988.1 and 17 more transcripts); c.1333C>G, p.Gln445Glu (NM_001323986.2); c.-24C>G (NM_001324006.1, NM_001324007.1, NM_001324008.1 and 2 more transcripts); c.223C>G, p.Gln75Glu (NM_001324011.1); c.73C>G, p.Gln25Glu (NM_001324012.1, NM_001324013.1); short protein forms Q353E, Q476E, Q106E, Q25E, Q445E, Q373E, Q75E.
Identifiers: ClinVar variation 4711123 (VCV004711123.1).

ClinVar aggregate classification (germline): Uncertain significance (1 of 4 stars; one submission).

Submission:

Labcorp Genetics (formerly Invitae), Labcorp
Classification: Uncertain significance. Last evaluated: 2026-01-26. Review status: criteria provided, single submitter. Criteria: Invitae Variant Classification Sherloc (09022015). Collection method: clinical testing. Allele origin: germline.
Comment: This sequence change replaces glutamine, which is neutral and polar, with glutamic acid, which is acidic and polar, at codon 476 of the CTNNA1 protein (p.Gln476Glu). This variant is not present in population databases (gnomAD no frequency). This variant has not been reported in the literature in individuals affected with CTNNA1-related conditions. Invitae Evidence Modeling of protein sequence and biophysical properties (such as structural, functional, and spatial information, amino acid conservation, physicochemical variation, residue mobility, and thermodynamic stability) indicates that this missense variant is not expected to disrupt CTNNA1 protein function with a negative predictive value of 80%. In summary, the available evidence is currently insufficient to determine the role of this variant in disease. Therefore, it has been classified as a Variant of Uncertain Significance.